The following is an entry in ClinVar:

ClinVar aggregate classification (germline): Uncertain significance (1 of 4 stars; one submission).

Conditions:
Early-infantile DEE. Also called: Early infantile epileptic encephalopathy; Early infantile epileptic encephalopathy with suppression bursts; Ohtahara syndrome. Identifiers: Orphanet 1934, MedGen C0393706, MONDO:0800491.

Submission:

Labcorp Genetics (formerly Invitae), Labcorp
Classification: Uncertain significance for Early-infantile DEE. Last evaluated: 2023-01-19. Review status: criteria provided, single submitter. Criteria: Invitae Variant Classification Sherloc (09022015). Collection method: clinical testing. Allele origin: germline.
Comment: This sequence change replaces alanine, which is neutral and non-polar, with threonine, which is neutral and polar, at codon 518 of the SPTAN1 protein (p.Ala518Thr). This variant is not present in population databases (gnomAD no frequency). This variant has not been reported in the literature in individuals affected with SPTAN1-related conditions. In summary, the available evidence is currently insufficient to determine the role of this variant in disease. Therefore, it has been classified as a Variant of Uncertain Significance. Algorithms developed to predict the effect of missense changes on protein structure and function (SIFT, PolyPhen-2, Align-GVGD) all suggest that this variant is likely to be disruptive.

NM_001130438.3(SPTAN1):c.1552G>A (p.Ala518Thr)

Gene: SPTAN1 (spectrin alpha, non-erythrocytic 1; plus strand). Cytogenetic location: 9q34.11.
Variant type: single nucleotide variant.
Coding change: c.1552G>A on transcript NM_001130438.3 (MANE Select); coding-DNA position 1552, G replaced by A.
Protein change: p.Ala518Thr; replaces alanine 518 with threonine.
Molecular consequence: missense variant.
Genome position (GRCh38, 1-based): chr9:128,581,872, G>A. VCF-style: chr9-128581872-G-A. GRCh37 (hg19) VCF-style: chr9-131344151-G-A.
Other names: c.1552G>A, p.Ala518Thr (NM_001375313.1, NM_001375314.2, NM_003127.4 and 5 more transcripts); c.1588G>A, p.Ala530Thr (NM_001375318.1, NM_001375312.2); short protein forms A518T, A530T.
Identifiers: ClinVar variation 2818523 (VCV002818523.3), dbSNP rs2541135613, ClinGen allele CA375054405.